The following is an entry in ClinVar:

NM_000350.3(ABCA4):c.790C>T (p.Arg264Cys)

Gene: ABCA4 (ATP binding cassette subfamily A member 4; minus strand). Cytogenetic location: 1p22.1.
Variant type: single nucleotide variant.
Coding change: c.790C>T on transcript NM_000350.3 (MANE Select); coding-DNA position 790, C replaced by T.
Protein change: p.Arg264Cys; replaces arginine 264 with cysteine.
Molecular consequence: missense variant.
Genome position (GRCh38, 1-based): chr1:94,083,420, G>A on the plus strand (C>T on the coding strand, the complement: ABCA4 is on the minus strand). VCF-style: chr1-94083420-G-A. GRCh37 (hg19) VCF-style: chr1-94548976-G-A.
Other names: c.790C>T, p.Arg264Cys (NM_001425324.1); short protein forms R264C.
Identifiers: ClinVar variation 1473017 (VCV001473017.4), dbSNP rs767947718, ClinGen allele CA958724.

ClinVar aggregate classification (germline): Uncertain significance. Review status: criteria provided, multiple submitters, no conflicts (2 of 4 stars). 2 submissions from 2 submitters: Uncertain significance (2). Last evaluated 2023-10-01.

Conditions:
Retinal dystrophy. Also called: Inherited retinal dystrophy. Identifiers: Orphanet 71862, MedGen C0854723, MeSH D058499, MONDO:0019118, HP:0000556.

Allele frequency attached by ClinVar (database versions not stated): gnomAD exomes below 0.00001 and 0.00001; ExAC 0.00001.
gnomAD v4.1: 6 of 1,613,492 alleles (0.00037%); highest among the groups gnomAD compares: Admixed American, 0.0017%; no homozygotes.

Submissions (2):

Dept Of Ophthalmology, Nagoya University
Classification: Uncertain significance for Retinal dystrophy. Last evaluated: 2023-10-01. Review status: criteria provided, single submitter. Criteria: Submitter's publication. Collection method: research. Allele origin: germline. Affected: yes.

Labcorp Genetics (formerly Invitae), Labcorp
Classification: Uncertain significance. Last evaluated: 2022-07-02. Review status: criteria provided, single submitter. Criteria: Invitae Variant Classification Sherloc (09022015). Collection method: clinical testing. Allele origin: germline.
Comment: This sequence change replaces arginine, which is basic and polar, with cysteine, which is neutral and slightly polar, at codon 264 of the ABCA4 protein (p.Arg264Cys). This variant is present in population databases (rs767947718, gnomAD 0.003%). This missense change has been observed in individual(s) with Stargardt disease (Invitae). ClinVar contains an entry for this variant (Variation ID: 1473017). Advanced modeling of protein sequence and biophysical properties (such as structural, functional, and spatial information, amino acid conservation, physicochemical variation, residue mobility, and thermodynamic stability) performed at Invitae indicates that this missense variant is not expected to disrupt ABCA4 protein function. In summary, the available evidence is currently insufficient to determine the role of this variant in disease. Therefore, it has been classified as a Variant of Uncertain Significance.